The following is an entry in ClinVar:

NM_000452.3(SLC10A2):c.737G>C (p.Arg246Thr)

Gene: SLC10A2 (solute carrier family 10 member 2; minus strand). Cytogenetic location: 13q33.1.
Variant type: single nucleotide variant.
Coding change: c.737G>C on transcript NM_000452.3 (MANE Select); coding-DNA position 737, G replaced by C.
Protein change: p.Arg246Thr; replaces arginine 246 with threonine.
Molecular consequence: missense variant.
Genome position (GRCh38, 1-based): chr13:103,051,281, C>G on the plus strand (G>C on the coding strand, the complement: SLC10A2 is on the minus strand). VCF-style: chr13-103051281-C-G. GRCh37 (hg19) VCF-style: chr13-103703631-C-G.
Other names: c.737G>C (NM_000452.2); short protein forms R246T.
Identifiers: ClinVar variation 2186060 (VCV002186060.8), dbSNP rs138811603, ClinGen allele CA7042077.

ClinVar aggregate classification (germline): Uncertain significance. Review status: criteria provided, multiple submitters, no conflicts (2 of 4 stars). 3 submissions from 3 submitters: Uncertain significance (3). Last evaluated 2026-05-13.

Conditions:
SLC10A2-related disorder. Also called: SLC10A2-related condition.

Allele frequency attached by ClinVar (database versions not stated): gnomAD exomes 0.00002; ExAC 0.00003; gnomAD 0.00003; ESP Exome Variant Server 0.00008.
gnomAD v4.1: 44 of 1,613,914 alleles (0.0027%); highest among the groups gnomAD compares: Admixed American, 0.005%; no homozygotes.

Submissions (3):

PreventionGenetics, part of Exact Sciences
Classification: Uncertain significance for SLC10A2-related condition. Last evaluated: 2026-05-13. Review status: criteria provided, single submitter. Criteria: ACMG Guidelines, 2015. Collection method: clinical testing. Allele origin: germline.
Comment: The SLC10A2 c.737G>C variant is predicted to result in the amino acid substitution p.Arg246Thr. To our knowledge, this variant has not been reported in the literature. This variant is reported in 0.0085% of alleles in individuals of Latino descent in gnomAD. At this time, the clinical significance of this variant is uncertain due to the absence of conclusive functional and genetic evidence.

Labcorp Genetics (formerly Invitae), Labcorp
Classification: Uncertain significance. Last evaluated: 2026-01-24. Review status: criteria provided, single submitter. Criteria: Invitae Variant Classification Sherloc (09022015). Collection method: clinical testing. Allele origin: germline.
Comment: This sequence change replaces arginine, which is basic and polar, with threonine, which is neutral and polar, at codon 246 of the SLC10A2 protein (p.Arg246Thr). This variant is present in population databases (rs138811603, gnomAD 0.009%). This variant has not been reported in the literature in individuals affected with SLC10A2-related conditions. ClinVar contains an entry for this variant (Variation ID: 2186060). Invitae Evidence Modeling of protein sequence and biophysical properties (such as structural, functional, and spatial information, amino acid conservation, physicochemical variation, residue mobility, and thermodynamic stability) indicates that this missense variant is not expected to disrupt SLC10A2 protein function with a negative predictive value of 80%. In summary, the available evidence is currently insufficient to determine the role of this variant in disease. Therefore, it has been classified as a Variant of Uncertain Significance.

Ambry Genetics
Classification: Uncertain significance. Last evaluated: 2023-07-05. Review status: criteria provided, single submitter. Criteria: Ambry Variant Classification Scheme 2023. Collection method: clinical testing. Allele origin: germline.